The following is an entry in ClinVar:

ClinVar aggregate classification (germline): Uncertain significance (1 of 4 stars; one submission).

Conditions:
Hereditary cancer-predisposing syndrome. Also called: Tumor predisposition; Hereditary neoplastic syndrome; Hereditary Cancer Syndrome; Neoplastic Syndromes, Hereditary. Identifiers: Orphanet 140162, MedGen C0027672, MeSH D009386, MONDO:0015356.

Submission:

Ambry Genetics
Classification: Uncertain significance for Hereditary cancer-predisposing syndrome. Last evaluated: 2024-02-02. Review status: criteria provided, single submitter. Criteria: Ambry Variant Classification Scheme 2023. Collection method: clinical testing. Allele origin: germline.
Comment: The p.N189K variant (also known as c.567T>A), located in coding exon 6 of the EPCAM gene, results from a T to A substitution at nucleotide position 567. The asparagine at codon 189 is replaced by lysine, an amino acid with similar properties. This amino acid position is conserved. In addition, this alteration is predicted to be tolerated by in silico analysis. Based on the available evidence, the clinical significance of this alteration remains unclear.

NM_002354.3(EPCAM):c.567T>A (p.Asn189Lys)

Gene: EPCAM (epithelial cell adhesion molecule; plus strand). Cytogenetic location: 2p21.
Variant type: single nucleotide variant.
Coding change: c.567T>A on transcript NM_002354.3 (MANE Select); coding-DNA position 567, T replaced by A.
Protein change: p.Asn189Lys; replaces asparagine 189 with lysine.
Molecular consequence: missense variant.
Genome position (GRCh38, 1-based): chr2:47,378,964, T>A. VCF-style: chr2-47378964-T-A. GRCh37 (hg19) VCF-style: chr2-47606103-T-A.
Other names: short protein forms N189K.
Identifiers: ClinVar variation 3222125 (VCV003222125.1), dbSNP rs2465470913, ClinGen allele CA346724113.